The following is an entry in ClinVar:

ClinVar aggregate classification (germline): Uncertain significance (1 of 4 stars; one submission).

Allele frequency attached by ClinVar (database versions not stated): ExAC 0.00002; TOPMed 0.00002; gnomAD 0.00005.
gnomAD v4.1: 52 of 1,613,182 alleles (0.0032%); highest among the groups gnomAD compares: Non-Finnish European, 0.0042%; no homozygotes.

Submission:

Labcorp Genetics (formerly Invitae), Labcorp
Classification: Uncertain significance. Last evaluated: 2022-12-19. Review status: criteria provided, single submitter. Criteria: Invitae Variant Classification Sherloc (09022015). Collection method: clinical testing. Allele origin: germline.
Comment: In summary, the available evidence is currently insufficient to determine the role of this variant in disease. Therefore, it has been classified as a Variant of Uncertain Significance. Variants that disrupt the consensus splice site are a relatively common cause of aberrant splicing (PMID: 17576681, 9536098). Algorithms developed to predict the effect of sequence changes on RNA splicing suggest that this variant is not likely to affect RNA splicing. This variant has not been reported in the literature in individuals affected with ERBB4-related conditions. This variant is present in population databases (rs569129845, gnomAD 0.009%). This sequence change falls in intron 20 of the ERBB4 gene. It does not directly change the encoded amino acid sequence of the ERBB4 protein. It affects a nucleotide within the consensus splice site.

Literature cited by the submitters: PubMed 17576681; PubMed 9536098.

NM_005235.3(ERBB4):c.2487+5G>A

Gene: ERBB4 (erb-b2 receptor tyrosine kinase 4; minus strand). Cytogenetic location: 2q34.
Variant type: single nucleotide variant.
Coding change: c.2487+5G>A on transcript NM_005235.3 (MANE Select); 5 bases into the intron after coding-DNA position 2487, G replaced by A.
Molecular consequence: intron variant.
Genome position (GRCh38, 1-based): chr2:211,561,898, C>T on the plus strand (G>A on the coding strand, the complement: ERBB4 is on the minus strand). VCF-style: chr2-211561898-C-T. GRCh37 (hg19) VCF-style: chr2-212426623-C-T.
Other names: c.2487+5G>A (NM_001042599.2); c.2457+5G>A (NM_001439006.1, NM_001439005.1).
Identifiers: ClinVar variation 2716747 (VCV002716747.3), dbSNP rs569129845, ClinGen allele CA2087740.
Genomic context (GRCh38, chr2:211,561,898, plus strand): 5'-ACTGTTCCAGGTTAGGAAATATTAACCTAAAAATGTAATTTCCATAGAAATTGACAGGCA[C>T]TTACCTTAGCTATCTGGACACACCAGTTAAGCAGCAGTTGTGATCCAATGTTATCCTTGT-3'